The following is an entry in ClinVar:

ClinVar aggregate classification (germline): Pathogenic/Likely pathogenic. Review status: criteria provided, multiple submitters, no conflicts (2 of 4 stars). 11 submissions from 11 submitters: Pathogenic (7); Likely pathogenic (1). 3 of the submissions do not count toward it. Last evaluated 2026-01-30.

Conditions:
GLDC-related disorders.
Glycine encephalopathy 1 (GCE1). Identifiers: MedGen CN376801, MONDO:0958179, OMIM 605899.
GLDC-related disorder. Also called: GLDC-related condition.
Inborn genetic diseases. Identifiers: MedGen C0950123, MeSH D030342.
Glycine encephalopathy. Also called: Non-ketotic hyperglycinemia; Nonketotic hyperglycinemia. Identifiers: Orphanet 407, MedGen C0751748, MONDO:0011612, HP:0008288.

Allele frequency attached by ClinVar (database versions not stated): gnomAD exomes below 0.00001 and 0.00002; ExAC 0.00003; gnomAD 0.00012 and 0.00013; TOPMed 0.00020; 1000 Genomes Project 30x 0.00078; 1000 Genomes Project 0.00080.
gnomAD v4.1: 28 of 1,614,022 alleles (0.0017%); highest among the groups gnomAD compares: Admixed American, 0.042%; no homozygotes.

Submissions (11):

Natera, Inc.
Classification: Pathogenic for Non-ketotic hyperglycinemia. Last evaluated: 2026-01-30. Review status: criteria provided, single submitter. Criteria: Natera Variant Classification Schema (03/2026). Collection method: clinical testing. Allele origin: germline.
Comment: The c.499G>T variant in GLDC is a nonsense variant predicted to introduce a stop codon at amino acid 167. This variant is expected to result in nonsense mediated decay, truncation, or a dysfunctional protein product. This variant is rare in the general population with a frequency below the threshold expected for the associated phenotype(s). This variant has been observed in one or more individuals affected with the associated recessive disease, as either homozygous or compound heterozygous with a second variant (PMID: 26179960). Given the available evidence, this variant is classified as Pathogenic.

Labcorp Genetics (formerly Invitae), Labcorp
Classification: Pathogenic for Glycine encephalopathy. Last evaluated: 2026-01-09. Review status: criteria provided, single submitter. Criteria: Invitae Variant Classification Sherloc (09022015). Collection method: clinical testing. Allele origin: germline.
Comment: This sequence change creates a premature translational stop signal (p.Glu167*) in the GLDC gene. It is expected to result in an absent or disrupted protein product. Loss-of-function variants in GLDC are known to be pathogenic (PMID: 16601880). This variant is present in population databases (rs191905539, gnomAD 0.009%). This premature translational stop signal has been observed in individuals with glycine encephalopathy, also known as non-ketotic hyperglycinemia (PMID: 26179960). ClinVar contains an entry for this variant (Variation ID: 370365). For these reasons, this variant has been classified as Pathogenic.

Fulgent Genetics
Classification: Pathogenic for Glycine encephalopathy 1. Last evaluated: 2024-03-28. Review status: criteria provided, single submitter. Criteria: ACMG Guidelines, 2015. Collection method: clinical testing. Allele origin: germline.

Laboratory for Molecular Medicine, Mass General Brigham Personalized Medicine
Classification: Likely pathogenic for Glycine encephalopathy. Last evaluated: 2024-01-01. Review status: criteria provided, single submitter. Criteria: ACMG Guidelines, 2015. Collection method: clinical testing. Allele origin: germline. Inheritance: Autosomal recessive inheritance.
Comment: The p.Glu167X variant in GLDC has been reported in the compound heterozygous state or homozygous state in at least 3 individuals with glycine encephalopathy (Swanson 2015 PMID: 26179960, Coughlin 2017 PMID: 27362913). This variant has also been reported by other clinical laboratories in ClinVar (Variation ID 370365) and has been identified in 0.12% (19/15276) of Latino/Admixed American chromosomes by gnomAD (v.3.1.2). This nonsense variant leads to a premature termination codon at position 167, which is predicted to lead to a truncated or absent protein. Biallelic loss of function of the GLDC gene is an established disease mechanism in autosomal recessive glycine encephalopathy, also known as nonketotic hyperglycinemia. In summary, although additional studies are required to fully establish its clinical significance, this variant meets criteria to be classified as likely pathogenic for autosomal recessive glycine encephalopathy. ACMG/AMP Criteria applied: PVS1, PM3.

GeneDx
Classification: Pathogenic. Last evaluated: 2022-05-28. Review status: criteria provided, single submitter. Criteria: GeneDx Variant Classification Process June 2021. Collection method: clinical testing. Allele origin: germline. Affected: yes.
Comment: Nonsense variant predicted to result in protein truncation or nonsense mediated decay in a gene for which loss-of-function is a known mechanism of disease; Not observed at significant frequency in large population cohorts (gnomAD); This variant is associated with the following publications: (PMID: 26179960)

Ambry Genetics
Classification: Pathogenic for Inborn genetic diseases. Last evaluated: 2021-08-23. Review status: criteria provided, single submitter. Criteria: Ambry Variant Classification Scheme 2023. Collection method: clinical testing. Allele origin: germline.
Comment: The c.499G>T (p.E167*) alteration, located in exon 4 (coding exon 4) of the GLDC gene, consists of a G to T substitution at nucleotide position 499. This changes the amino acid from a glutamic acid (E) to a stop codon at amino acid position 167. This alteration is expected to result in loss of function by premature protein truncation or nonsense-mediated mRNA decay. Based on data from gnomAD, the T allele has an overall frequency of 0.002% (5/251296) total alleles studied. The highest observed frequency was 0.016% (1/6132) of Other alleles. This mutation has been detected in the homozygous and compound heterozygous states in individuals with nonketotic hyperglycemia (Swanson, 2015). Based on the available evidence, this alteration is classified as pathogenic.

Blueprint Genetics
Classification: Pathogenic for GLDC-related disorders. Last evaluated: 2021-07-28. Review status: criteria provided, single submitter. Criteria: ACMG Guidelines, 2015. Collection method: clinical testing. Allele origin: germline. Affected: yes. Observed: 2 variant alleles.

Women's Health and Genetics/Laboratory Corporation of America, LabCorp
Classification: Pathogenic for Non-ketotic hyperglycinemia. Last evaluated: 2020-07-02. Review status: criteria provided, single submitter. Criteria: LabCorp Variant Classification Summary - May 2015. Collection method: clinical testing. Allele origin: germline.
Comment: Variant summary: GLDC c.499G>T (p.Glu167X) results in a premature termination codon, predicted to cause a truncation of the encoded protein or absence of the protein due to nonsense mediated decay, which are commonly known mechanisms for disease. Truncations downstream of this position have been classified as pathogenic by our laboratory. The variant allele was found at a frequency of 2e-05 in 251296 control chromosomes. c.499G>T has been reported in the literature in multiple individuals affected with Glycine Encephalopathy (Non-Ketotic Hyperglycinemia) in the homozygous and compound heterozygous states (Swanson_2015, Coughlin_2016). Four clinical diagnostic laboratories have submitted clinical-significance assessments for this variant to ClinVar after 2014 without evidence for independent evaluation. All laboratories classified the variant as pathogenic/likely pathogenic. Based on the evidence outlined above, the variant was classified as pathogenic.

PreventionGenetics, part of Exact Sciences
Classification: Pathogenic for GLDC-related condition. Last evaluated: 2024-06-18. Review status: no assertion criteria provided. Collection method: clinical testing. Allele origin: germline. Not counted in ClinVar's aggregate classification.
Comment: The GLDC c.499G>T variant is predicted to result in premature protein termination (p.Glu167*). This variant was reported as a recurrent variant for nonketotic hyperglycinemia (see, for example, Swanson et al. 2015. PubMed ID: 26179960). This variant is reported in 0.012% of alleles in individuals of Latino descent in gnomAD. Nonsense variants in GLDC are expected to be pathogenic. This variant is interpreted as pathogenic.

Counsyl
Classification: Likely pathogenic for Glycine encephalopathy 1. Last evaluated: 2016-10-31. Review status: no assertion criteria provided. Collection method: clinical testing. Allele origin: unknown. Not counted in ClinVar's aggregate classification.

Division of Human Genetics, Children's Hospital of Philadelphia
Classification: Pathogenic for Glycine encephalopathy 1. Last evaluated: 2016-06-29. Review status: no assertion criteria provided. Collection method: research. Allele origin: germline. Study: CSER-PediSeq. Not counted in ClinVar's aggregate classification.

Literature cited by the submitters: PubMed 26179960 (cited by 6 submitters); PubMed 16601880 (cited by Labcorp Genetics (formerly Invitae), Labcorp); PubMed 27362913 (cited by Laboratory for Molecular Medicine, Mass General Brigham Personalized Medicine and Women's Health and Genetics/Laboratory Corporation of America, LabCorp).

NM_000170.3(GLDC):c.499G>T (p.Glu167Ter)

Gene: GLDC (glycine decarboxylase; minus strand). Cytogenetic location: 9p24.1.
Variant type: single nucleotide variant.
Coding change: c.499G>T on transcript NM_000170.3 (MANE Select); coding-DNA position 499, G replaced by T.
Protein change: p.Glu167Ter; replaces glutamic acid 167 with a stop codon.
Molecular consequence: nonsense.
Genome position (GRCh38, 1-based): chr9:6,610,328, C>A on the plus strand (G>T on the coding strand, the complement: GLDC is on the minus strand). VCF-style: chr9-6610328-C-A. GRCh37 (hg19) VCF-style: chr9-6610328-C-A.
Other names: short protein forms E167*.
Identifiers: ClinVar variation 370365 (VCV000370365.27), dbSNP rs191905539, ClinGen allele CA4981110.